The following is an entry in ClinVar:

ClinVar aggregate classification (germline): Uncertain significance (1 of 4 stars; one submission).

gnomAD v4.1: 2 of 1,613,696 alleles (0.00012%); highest among the groups gnomAD compares: Non-Finnish European, 0.000085%; no homozygotes.

Submissions (2):

CeGaT Center for Human Genetics Tuebingen
Classification: Uncertain significance. Last evaluated: 2026-03-01. Review status: criteria provided, single submitter. Criteria: CeGaT Center For Human Genetics Tuebingen Variant Classification Criteria Version 2. Collection method: clinical testing. Allele origin: germline. Affected: yes. Observed: 1 variant allele.
Comment: TCF12: PM2, PP3, PS2:Supporting

Dr. Peter K. Rogan Lab, Western University
No classification provided (evidence only). Condition: Ovarian serous cystadenocarcinoma. Review status: no classification provided. Collection method: in vitro. Allele origin: not applicable. Functional consequence: retained intron. Not counted in ClinVar's aggregate classification.

NM_207037.2(TCF12):c.579+5G>A

Gene: TCF12 (transcription factor 12; plus strand). Cytogenetic location: 15q21.3.
Variant type: single nucleotide variant.
Coding change: c.579+5G>A on transcript NM_207037.2 (MANE Select); 5 bases into the intron after coding-DNA position 579, G replaced by A.
Molecular consequence: intron variant.
Genome position (GRCh38, 1-based): chr15:57,197,830, G>A. VCF-style: chr15-57197830-G-A. GRCh37 (hg19) VCF-style: chr15-57490028-G-A.
Other names: NC_000015.9:g.57490028G>A; c.579+5G>A (NM_001322151.2, NM_001322159.3, NM_001322157.3 and 7 more transcripts); c.405+5G>A (NM_001322156.2, NM_001322158.2); c.-79+5G>A (NM_001322154.2); c.615+5G>A (NM_001322164.2).
Identifiers: ClinVar variation 4403909 (VCV004403909.5).